The following is an entry in ClinVar:

ClinVar aggregate classification (germline): Uncertain significance (1 of 4 stars; one submission).

Conditions:
Baller-Gerold syndrome (BGS). Also called: CRANIOSYNOSTOSIS WITH RADIAL DEFECTS. Identifiers: Orphanet 1225, MedGen C0265308, MONDO:0009039, OMIM 218600.

Submission:

Labcorp Genetics (formerly Invitae), Labcorp
Classification: Uncertain significance for Baller-Gerold syndrome. Last evaluated: 2023-10-08. Review status: criteria provided, single submitter. Criteria: Invitae Variant Classification Sherloc (09022015). Collection method: clinical testing. Allele origin: germline.
Comment: This sequence change affects codon 965 of the RECQL4 mRNA. It is a 'silent' change, meaning that it does not change the encoded amino acid sequence of the RECQL4 protein. This variant is not present in population databases (gnomAD no frequency). This variant has not been reported in the literature in individuals affected with RECQL4-related conditions. Algorithms developed to predict the effect of sequence changes on RNA splicing suggest that this variant may disrupt the consensus splice site. In summary, the available evidence is currently insufficient to determine the role of this variant in disease. Therefore, it has been classified as a Variant of Uncertain Significance.

NM_004260.4(RECQL4):c.2895T>G (p.Pro965=)

Gene: RECQL4 (RecQ like helicase 4; minus strand). Cytogenetic location: 8q24.3.
Variant type: single nucleotide variant.
Coding change: c.2895T>G on transcript NM_004260.4 (MANE Select); coding-DNA position 2895, T replaced by G.
Protein change: p.Pro965=; no amino-acid change (proline 965 retained).
Molecular consequence: synonymous variant. On other transcripts: non-coding transcript variant (3).
Genome position (GRCh38, 1-based): chr8:144,512,552, A>C on the plus strand (T>G on the coding strand, the complement: RECQL4 is on the minus strand). VCF-style: chr8-144512552-A-C. GRCh37 (hg19) VCF-style: chr8-145737935-A-C.
Other names: c.1833T>G, p.Pro611= (NM_001413041.1); c.1794T>G, p.Pro598= (NM_001413042.1); c.1428T>G, p.Pro476= (NM_001413043.1); c.1692T>G, p.Pro564= (NM_001413037.1); c.1626T>G, p.Pro542= (NM_001413038.1, NM_001413031.1); c.2865T>G, p.Pro955= (NM_001413039.1); c.1824T>G, p.Pro608= (NM_001413040.1, NM_001413021.1, NM_001413022.1 and 4 more transcripts); c.2601T>G, p.Pro867= (NM_001413017.1); and 9 more.
Identifiers: ClinVar variation 3002787 (VCV003002787.3), dbSNP rs2537988042, ClinGen allele CA463566176.